The following is an entry in ClinVar:

ClinVar aggregate classification (germline): Uncertain significance (1 of 4 stars; one submission).

Conditions:
Malignant hyperthermia, susceptibility to, 1 (MHS1). Also called: RYR1-Related Malignant Hyperthermia Susceptibility; Malignant hyperthermia suceptibility 1; Anesthesia related hyperthermia; Malignant hyperpyrexia; Fulminating hyperpyrexia; Pharmacogenic myopathy. Identifiers: Orphanet 423, MedGen C2930980, MONDO:0007783, OMIM 145600.

Submission:

Color Diagnostics, LLC DBA Color Health
Classification: Uncertain significance for Malignant hyperthermia, susceptibility to, 1. Last evaluated: 2025-08-04. Review status: criteria provided, single submitter. Criteria: ACMG Guidelines, 2015. Collection method: clinical testing. Allele origin: germline.
Comment: This variant is located in the RYR1 protein. To our knowledge, functional studies have not been reported for this variant. This variant has not been reported in individuals affected with RYR1-related disorders in the literature. This variant has not been identified in the general population by the Genome Aggregation Database (gnomAD). The available evidence is insufficient to determine the role of this variant in disease conclusively. Therefore, this variant is classified as a Variant of Uncertain Significance.

NM_000540.3(RYR1):c.3654C>A (p.Leu1218=)

Gene: RYR1 (ryanodine receptor 1; plus strand). Cytogenetic location: 19q13.2.
Variant type: single nucleotide variant.
Coding change: c.3654C>A on transcript NM_000540.3 (MANE Select); coding-DNA position 3654, C replaced by A.
Protein change: p.Leu1218=; no amino-acid change (leucine 1218 retained).
Molecular consequence: synonymous variant.
Genome position (GRCh38, 1-based): chr19:38,469,402, C>A. VCF-style: chr19-38469402-C-A. GRCh37 (hg19) VCF-style: chr19-38960042-C-A.
Other names: c.3654C>A, p.Leu1218= (NM_001042723.2).
Identifiers: ClinVar variation 4759111 (VCV004759111.1).